The following is an entry in ClinVar:

NM_014055.4(IFT81):c.850G>T (p.Glu284Ter)

Gene: IFT81 (intraflagellar transport 81; plus strand). Cytogenetic location: 12q24.11.
Variant type: single nucleotide variant.
Coding change: c.850G>T on transcript NM_014055.4 (MANE Select); coding-DNA position 850, G replaced by T.
Protein change: p.Glu284Ter; replaces glutamic acid 284 with a stop codon.
Molecular consequence: nonsense. On other transcripts: non-coding transcript variant (3), intron variant (2).
Genome position (GRCh38, 1-based): chr12:110,143,450, G>T. VCF-style: chr12-110143450-G-T. GRCh37 (hg19) VCF-style: chr12-110581255-G-T.
Other names: c.850G>T, p.Glu284Ter (NM_001143779.2, NM_001347946.2, NM_031473.4); c.16-3503G>T (NM_001347948.2, NM_001347947.2); short protein forms E284*.
Identifiers: ClinVar variation 2829996 (VCV002829996.3), dbSNP rs1361393564, ClinGen allele CA386911162.
Genomic context (GRCh38, chr12:110,143,450, plus strand): 5'-AAGAGGCTAGAGGAGGAGATAAAATTTAATTTATATATGGTAACTGAAAAATTTCCTAAA[G>T]AATTAGAAAATAAGAAAAAGGAATTACATTTTTTACAAAAAGTAGTTTCAGAGCCAGCTA-3'

ClinVar aggregate classification (germline): Pathogenic (1 of 4 stars; one submission).

Allele frequency attached by ClinVar (database versions not stated): TOPMed 0.00001.

Submission:

Labcorp Genetics (formerly Invitae), Labcorp
Classification: Pathogenic. Last evaluated: 2025-03-10. Review status: criteria provided, single submitter. Criteria: Invitae Variant Classification Sherloc (09022015). Collection method: clinical testing. Allele origin: germline.
Comment: This sequence change creates a premature translational stop signal (p.Glu284*) in the IFT81 gene. It is expected to result in an absent or disrupted protein product. Loss-of-function variants in IFT81 are known to be pathogenic (PMID: 26275418, 27666822). This variant is not present in population databases (gnomAD no frequency). This variant has not been reported in the literature in individuals affected with IFT81-related conditions. ClinVar contains an entry for this variant (Variation ID: 2829996). Algorithms developed to predict the effect of sequence changes on RNA splicing suggest that this variant may disrupt the consensus splice site. For these reasons, this variant has been classified as Pathogenic.

Literature cited by the submitters: PubMed 26275418; PubMed 27666822.